The following is an entry in ClinVar:

NM_145868.2(ANXA11):c.444_467dup (p.Val158_Pro159insThrTyrProGlyGlnProProVal)

Gene: ANXA11 (annexin A11; minus strand). Cytogenetic location: 10q22.3.
Variant type: Duplication.
Coding change: c.444_467dup on transcript NM_145868.2 (MANE Select); coding-DNA positions 444 to 467, 24 bases duplicated (ACCAGTGACCTACCCTGGTCAGCC).
Protein change: p.Val158_Pro159insThrTyrProGlyGlnProProVal.
Molecular consequence: inframe insertion.
Genome position (GRCh38, 1-based): chr10:80,169,063-80,169,086, GGCTGACCAGGGTAGGTCACTGGT duplicated on the plus strand (ACCAGTGACCTACCCTGGTCAGCC on the coding strand, the reverse complement: ANXA11 is on the minus strand); duplicating any 24 consecutive bases within chr10:80,169,063-80,169,091 gives the same sequence; the c. name uses the placement nearest the transcript's 3' end. VCF-style (leftmost placement, unchanged base first): chr10-80169062-A-AGGCTGACCAGGGTAGGTCACTGGT. GRCh37 (hg19) VCF-style: chr10-81928818-A-AGGCTGACCAGGGTAGGTCACTGGT.
Other names: c.444_467dup, p.Val158_Pro159insThrTyrProGlyGlnProProVal (NM_001157.3, NM_001278407.2, NM_001278408.2 and 1 more transcripts); c.345_368dup, p.Val125_Pro126insThrTyrProGlyGlnProProVal (NM_001278409.2).
Identifiers: ClinVar variation 3352176 (VCV003352176.1).

ClinVar aggregate classification (germline): Uncertain significance (0 of 4 stars; one submission).

Conditions:
ANXA11-related disorder. Also called: ANXA11-related condition.

Submission:

PreventionGenetics, part of Exact Sciences
Classification: Uncertain significance for ANXA11-related condition. Last evaluated: 2024-04-17. Review status: no assertion criteria provided. Collection method: clinical testing. Allele origin: germline.
Comment: The ANXA11 c.444_467dup24 variant is predicted to result in an in-frame duplication (p.Thr151_Val158dup). To our knowledge, this variant has not been reported in the literature or in a large population database, indicating this variant is rare. At this time, the clinical significance of this variant is uncertain due to the absence of conclusive functional and genetic evidence.